The following is an entry in ClinVar:

ClinVar aggregate classification (germline): Likely benign. Review status: criteria provided, multiple submitters, no conflicts (2 of 4 stars). 3 submissions from 3 submitters: Likely benign (3). Last evaluated 2026-07-01.

Conditions:
Inborn genetic diseases. Identifiers: MedGen C0950123, MeSH D030342.
Charcot-Marie-Tooth disease axonal type 2O. Also called: CHARCOT-MARIE-TOOTH NEUROPATHY, AXONAL, TYPE 2O; CHARCOT-MARIE-TOOTH DISEASE, AXONAL, AUTOSOMAL DOMINANT, TYPE 2O; Charcot-Marie-Tooth Neuropathy Type 2O; Charcot-Marie-Tooth disease, axonal, type 20. Identifiers: Orphanet 284232, MedGen C3280220, MONDO:0013644, OMIM 614228.

Allele frequency attached by ClinVar (database versions not stated): TOPMed 0.00002; gnomAD 0.00003 and 0.00004; gnomAD exomes 0.00003 and 0.00006; ExAC 0.00007.

Submissions (3):

CeGaT Center for Human Genetics Tuebingen
Classification: Likely benign. Last evaluated: 2026-07-01. Review status: criteria provided, single submitter. Criteria: CeGaT Center For Human Genetics Tuebingen Variant Classification Criteria Version 2. Collection method: clinical testing. Allele origin: germline. Affected: yes. Observed: 1 variant allele.
Comment: DYNC1H1: BP4

Labcorp Genetics (formerly Invitae), Labcorp
Classification: Likely benign for Charcot-Marie-Tooth disease axonal type 2O. Last evaluated: 2025-06-17. Review status: criteria provided, single submitter. Criteria: Invitae Variant Classification Sherloc (09022015). Collection method: clinical testing. Allele origin: germline.

Ambry Genetics
Classification: Likely benign for Inborn genetic diseases. Last evaluated: 2018-01-04. Review status: criteria provided, single submitter. Criteria: Ambry Variant Classification Scheme 2023. Collection method: clinical testing. Allele origin: germline.

NM_001376.5(DYNC1H1):c.4341G>A (p.Lys1447=)

Gene: DYNC1H1 (dynein cytoplasmic 1 heavy chain 1; plus strand). Cytogenetic location: 14q32.31.
Variant type: single nucleotide variant.
Coding change: c.4341G>A on transcript NM_001376.5 (MANE Select); coding-DNA position 4341, G replaced by A.
Protein change: p.Lys1447=; no amino-acid change (lysine 1447 retained).
Molecular consequence: synonymous variant.
Genome position (GRCh38, 1-based): chr14:102,001,300, G>A. VCF-style: chr14-102001300-G-A. GRCh37 (hg19) VCF-style: chr14-102467637-G-A.
Identifiers: ClinVar variation 472533 (VCV000472533.11), dbSNP rs780278262, ClinGen allele CA7352213.
Genomic context (GRCh38, chr14:102,001,300, plus strand): 5'-TGAGCTAACCCTTGGCCAAATCTGGGATGTTGACTTGCAGAAAAATGAAGCGATTGTCAA[G>A]GATGTACTGCTTGTGGCACAAGGGGAGATGGCTTTGGAAGAATTTTTGAAGCAGGCGAGT-3'
Protein context (NP_001367.2, residues 1437-1457): VDLQKNEAIV[Lys1447=]DVLLVAQGEM